The following is an entry in ClinVar:

ClinVar aggregate classification (germline): Uncertain significance. Review status: criteria provided, multiple submitters, no conflicts (2 of 4 stars). 2 submissions from 2 submitters: Uncertain significance (2). Last evaluated 2024-08-10.

Conditions:
Arrhythmogenic right ventricular dysplasia 12. Also called: ARRHYTHMOGENIC RIGHT VENTRICULAR DYSPLASIA, FAMILIAL, 12. Identifiers: MedGen C1969081, MONDO:0012684, OMIM 611528.
Naxos disease (NXD). Also called: KERATOSIS PALMOPLANTARIS WITH ARRHYTHMOGENIC CARDIOMYOPATHY; MAL DE NAXOS; PALMOPLANTAR KERATODERMA WITH ARRHYTHMOGENIC RIGHT VENTRICULAR CARDIOMYOPATHY AND WOOLLY HAIR; WOOLLY HAIR, PALMOPLANTAR KERATODERMA, AND CARDIAC ABNORMALITIES; CARDIOMYOPATHY, ARRHYTHMOGENIC RIGHT VENTRICULAR, WITH SKIN, HAIR, AND NAIL ABNORMALITIES. Identifiers: Orphanet 34217, MedGen C1832600, MONDO:0011017, OMIM 601214.
Cardiovascular phenotype. Identifiers: MedGen CN230736.

Submissions (2):

Labcorp Genetics (formerly Invitae), Labcorp
Classification: Uncertain significance for Arrhythmogenic right ventricular dysplasia 12; Naxos disease. Last evaluated: 2024-08-10. Review status: criteria provided, single submitter. Criteria: Invitae Variant Classification Sherloc (09022015). Collection method: clinical testing. Allele origin: germline.
Comment: This sequence change replaces isoleucine, which is neutral and non-polar, with methionine, which is neutral and non-polar, at codon 26 of the JUP protein (p.Ile26Met). This variant is not present in population databases (gnomAD no frequency). This variant has not been reported in the literature in individuals affected with JUP-related conditions. ClinVar contains an entry for this variant (Variation ID: 2448241). An algorithm developed to predict the effect of missense changes on protein structure and function (PolyPhen-2) suggests that this variant is likely to be disruptive. Algorithms developed to predict the effect of sequence changes on RNA splicing suggest that this variant may create or strengthen a splice site. In summary, the available evidence is currently insufficient to determine the role of this variant in disease. Therefore, it has been classified as a Variant of Uncertain Significance.

Ambry Genetics
Classification: Uncertain significance for Cardiovascular phenotype. Last evaluated: 2023-03-12. Review status: criteria provided, single submitter. Criteria: Ambry Variant Classification Scheme 2023. Collection method: clinical testing. Allele origin: germline.
Comment: The p.I26M variant (also known as c.78C>G), located in coding exon 1 of the JUP gene, results from a C to G substitution at nucleotide position 78. The isoleucine at codon 26 is replaced by methionine, an amino acid with highly similar properties. This amino acid position is conserved. In addition, the in silico prediction for this alteration is inconclusive. Since supporting evidence is limited at this time, the clinical significance of this alteration remains unclear.

NM_002230.4(JUP):c.78C>G (p.Ile26Met)

Gene: JUP (junction plakoglobin; minus strand). Cytogenetic location: 17q21.2.
Variant type: single nucleotide variant.
Coding change: c.78C>G on transcript NM_002230.4 (MANE Select); coding-DNA position 78, C replaced by G.
Protein change: p.Ile26Met; replaces isoleucine 26 with methionine.
Molecular consequence: missense variant.
Genome position (GRCh38, 1-based): chr17:41,771,777, G>C on the plus strand (C>G on the coding strand, the complement: JUP is on the minus strand). VCF-style: chr17-41771777-G-C. GRCh37 (hg19) VCF-style: chr17-39928029-G-C.
Other names: c.78C>G, p.Ile26Met (NM_001352773.2, NM_001352774.2, NM_001352775.2 and 3 more transcripts); short protein forms I26M.
Identifiers: ClinVar variation 2448241 (VCV002448241.4), dbSNP rs2544216620, ClinGen allele CA399507088.